The following is an entry in ClinVar:

NM_032447.5(FBN3):c.3508T>C (p.Cys1170Arg)

Gene: FBN3 (fibrillin 3; minus strand). Cytogenetic location: 19p13.2.
Variant type: single nucleotide variant.
Coding change: c.3508T>C on transcript NM_032447.5 (MANE Select); coding-DNA position 3508, T replaced by C.
Protein change: p.Cys1170Arg; replaces cysteine 1170 with arginine.
Molecular consequence: missense variant.
Genome position (GRCh38, 1-based): chr19:8,117,247, A>G on the plus strand (T>C on the coding strand, the complement: FBN3 is on the minus strand). VCF-style: chr19-8117247-A-G. GRCh37 (hg19) VCF-style: chr19-8182131-A-G.
Other names: c.3508T>C, p.Cys1170Arg (NM_001321431.2); short protein forms C1170R.
Identifiers: ClinVar variation 4773789 (VCV004773789.1).
Genomic context (GRCh38, chr19:8,117,247, plus strand): 5'-CGGGCATCAGCGAGTAGCCCTGCCCACAGCTGCACCGGTAGCTGCCCTCAGTGTTAATAC[A>G]GTGCACGTCACACCCACCATTCTGGACCCGGCATTCGTTGATGTCTGCAGGATGCAGGGC-3'
Protein context (NP_115823.3, residues 1160-1180): RVQNGGCDVH[Cys1170Arg]INTEGSYRCS

ClinVar aggregate classification (germline): Uncertain significance (1 of 4 stars; one submission).

Submission:

Labcorp Genetics (formerly Invitae), Labcorp
Classification: Uncertain significance. Last evaluated: 2025-12-16. Review status: criteria provided, single submitter. Criteria: Invitae Variant Classification Sherloc (09022015). Collection method: clinical testing. Allele origin: germline.
Comment: This sequence change replaces cysteine, which is neutral and slightly polar, with arginine, which is basic and polar, at codon 1170 of the FBN3 protein (p.Cys1170Arg). This variant is not present in population databases (gnomAD no frequency). This variant has not been reported in the literature in individuals affected with FBN3-related conditions. Invitae Evidence Modeling of protein sequence and biophysical properties (such as structural, functional, and spatial information, amino acid conservation, physicochemical variation, residue mobility, and thermodynamic stability) indicates that this missense variant is expected to disrupt FBN3 protein function with a positive predictive value of 80%. In summary, the available evidence is currently insufficient to determine the role of this variant in disease. Therefore, it has been classified as a Variant of Uncertain Significance.